The following is an entry in ClinVar:

NM_006121.4(KRT1):c.1912A>T (p.Thr638Ser)

Gene: KRT1 (keratin 1; minus strand). Cytogenetic location: 12q13.13.
Variant type: single nucleotide variant.
Coding change: c.1912A>T on transcript NM_006121.4 (MANE Select); coding-DNA position 1912, A replaced by T.
Protein change: p.Thr638Ser; replaces threonine 638 with serine.
Molecular consequence: missense variant.
Genome position (GRCh38, 1-based): chr12:52,675,216, T>A on the plus strand (A>T on the coding strand, the complement: KRT1 is on the minus strand). VCF-style: chr12-52675216-T-A. GRCh37 (hg19) VCF-style: chr12-53069000-T-A.
Other names: short protein forms T638S.
Identifiers: ClinVar variation 2672142 (VCV002672142.1), dbSNP rs140098565, ClinGen allele CA6586004.

ClinVar aggregate classification (germline): Uncertain significance (1 of 4 stars; one submission).

Conditions:
Epidermolytic hyperkeratosis 1 (EHK1). Also called: BULLOUS ERYTHRODERMA ICHTHYOSIFORMIS CONGENITA OF BROCQ; BULLOUS CONGENITAL ICHTHYOSIFORM ERYTHRODERMA. Identifiers: MedGen C5781874, MONDO:0700249, OMIM 113800.

gnomAD v4.1: 7 of 1,613,844 alleles (0.00043%); highest among the groups gnomAD compares: Non-Finnish European, 0.00051%; no homozygotes.

Submission:

Clinical Genomics Laboratory, Washington University in St. Louis
Classification: Uncertain significance for Epidermolytic hyperkeratosis 1. Last evaluated: 2023-09-22. Review status: criteria provided, single submitter. Criteria: ACMG Guidelines, 2015. Collection method: clinical testing. Allele origin: germline.
Comment: The KRT1 c.1912A>T (p.Thr638Ser) variant was identified at near heterozygous allelic fraction and to our knowledge, it has not been reported in the medical literature. This variant is absent from the general population (gnomAD v.3.1.2), indicating it is not a common variant. Computational predictors suggest that the variant does not impact KRT1 function. Due to limited information, and based on ACMG/AMP guidelines for variant interpretation (Richards S et al., PMID: 25741868), KRT1 c.1912A>T (p.Thr638Ser) is classified as being of uncertain significance at this time.